The following is an entry in ClinVar:

NM_020806.5(GPHN):c.1111C>T (p.Pro371Ser)

Gene: GPHN (gephyrin; plus strand). Cytogenetic location: 14q23.3.
Variant type: single nucleotide variant.
Coding change: c.1111C>T on transcript NM_020806.5 (MANE Select); coding-DNA position 1111, C replaced by T.
Protein change: p.Pro371Ser; replaces proline 371 with serine.
Molecular consequence: missense variant.
Genome position (GRCh38, 1-based): chr14:67,058,753, C>T. VCF-style: chr14-67058753-C-T. GRCh37 (hg19) VCF-style: chr14-67525470-C-T.
Other names: c.1012C>T, p.Pro338Ser (NM_001024218.2); c.1171C>T, p.Pro391Ser (NM_001377514.1); c.1141C>T, p.Pro381Ser (NM_001377515.1); c.1132C>T, p.Pro378Ser (NM_001377516.1); c.1084C>T, p.Pro362Ser (NM_001377517.1); c.1069C>T, p.Pro357Ser (NM_001377518.1); c.1051C>T, p.Pro351Ser (NM_001377519.1); short protein forms P357S, P381S, P338S, P362S, P378S, P391S, P351S, P371S.
Identifiers: ClinVar variation 2007266 (VCV002007266.4), dbSNP rs2542613782, ClinGen allele CA390258441.

ClinVar aggregate classification (germline): Uncertain significance (1 of 4 stars; one submission).

Conditions:
Sulfite oxidase deficiency due to molybdenum cofactor deficiency type C. Also called: Molybdenum cofactor deficiency, complementation group C; Molybdenum cofactor deficiency C. Identifiers: Orphanet 308400, Orphanet 833, MedGen C1854990, MONDO:0014212, OMIM 615501.

Submission:

Labcorp Genetics (formerly Invitae), Labcorp
Classification: Uncertain significance for Sulfite oxidase deficiency due to molybdenum cofactor deficiency type C. Last evaluated: 2024-11-04. Review status: criteria provided, single submitter. Criteria: Invitae Variant Classification Sherloc (09022015). Collection method: clinical testing. Allele origin: germline.
Comment: This sequence change replaces proline, which is neutral and non-polar, with serine, which is neutral and polar, at codon 371 of the GPHN protein (p.Pro371Ser). This variant is not present in population databases (gnomAD no frequency). This variant has not been reported in the literature in individuals affected with GPHN-related conditions. ClinVar contains an entry for this variant (Variation ID: 2007266). Invitae Evidence Modeling of protein sequence and biophysical properties (such as structural, functional, and spatial information, amino acid conservation, physicochemical variation, residue mobility, and thermodynamic stability) indicates that this missense variant is not expected to disrupt GPHN protein function with a negative predictive value of 80%. In summary, the available evidence is currently insufficient to determine the role of this variant in disease. Therefore, it has been classified as a Variant of Uncertain Significance.